The following is an entry in ClinVar:

ClinVar aggregate classification (germline): Uncertain significance (1 of 4 stars; one submission).

gnomAD v4.1: 1 of 1,551,738 alleles (0.000064%); no homozygotes.

Submission:

Labcorp Genetics (formerly Invitae), Labcorp
Classification: Uncertain significance. Last evaluated: 2022-07-19. Review status: criteria provided, single submitter. Criteria: Invitae Variant Classification Sherloc (09022015). Collection method: clinical testing. Allele origin: germline.
Comment: ClinVar contains an entry for this variant (Variation ID: 1470721). In summary, the available evidence is currently insufficient to determine the role of this variant in disease. Therefore, it has been classified as a Variant of Uncertain Significance. Algorithms developed to predict the effect of missense changes on protein structure and function are either unavailable or do not agree on the potential impact of this missense change (SIFT: "Deleterious"; PolyPhen-2: "Probably Damaging"; Align-GVGD: "Class C0"). This variant has not been reported in the literature in individuals affected with ZSWIM6-related conditions. This variant is not present in population databases (gnomAD no frequency). This sequence change replaces leucine, which is neutral and non-polar, with tryptophan, which is neutral and slightly polar, at codon 731 of the ZSWIM6 protein (p.Leu731Trp).

NM_020928.2(ZSWIM6):c.2192T>G (p.Leu731Trp)

Gene: ZSWIM6 (zinc finger SWIM-type containing 6; plus strand). Cytogenetic location: 5q12.1.
Variant type: single nucleotide variant.
Coding change: c.2192T>G on transcript NM_020928.2 (MANE Select); coding-DNA position 2192, T replaced by G.
Protein change: p.Leu731Trp; replaces leucine 731 with tryptophan.
Molecular consequence: missense variant.
Genome position (GRCh38, 1-based): chr5:61,531,672, T>G. VCF-style: chr5-61531672-T-G. GRCh37 (hg19) VCF-style: chr5-60827499-T-G.
Other names: short protein forms L731W.
Identifiers: ClinVar variation 1470721 (VCV001470721.8), dbSNP rs575815876, ClinGen allele CA359944791.